The following is an entry in ClinVar:

NM_004360.5(CDH1):c.2263T>C (p.Tyr755His)

Gene: CDH1 (cadherin 1; plus strand). Cytogenetic location: 16q22.1.
Variant type: single nucleotide variant.
Coding change: c.2263T>C on transcript NM_004360.5 (MANE Select); coding-DNA position 2263, T replaced by C.
Protein change: p.Tyr755His; replaces tyrosine 755 with histidine.
Molecular consequence: missense variant.
Genome position (GRCh38, 1-based): chr16:68,828,272, T>C. VCF-style: chr16-68828272-T-C. GRCh37 (hg19) VCF-style: chr16-68862175-T-C.
Other names: c.2080T>C, p.Tyr694His (NM_001317184.2); c.715T>C, p.Tyr239His (NM_001317185.2); c.298T>C, p.Tyr100His (NM_001317186.2); short protein forms Y694H, Y755H, Y100H, Y239H.
Identifiers: ClinVar variation 841471 (VCV000841471.13), dbSNP rs1961380635, ClinGen allele CA396469952.

ClinVar aggregate classification (germline): Uncertain significance. Review status: criteria provided, multiple submitters, no conflicts (2 of 4 stars). 2 submissions from 2 submitters: Uncertain significance (2). Last evaluated 2025-04-18.

Conditions:
Hereditary cancer-predisposing syndrome. Also called: Neoplastic Syndromes, Hereditary; Hereditary neoplastic syndrome; Tumor predisposition; Hereditary Cancer Syndrome. Identifiers: Orphanet 140162, MedGen C0027672, MeSH D009386, MONDO:0015356.
Hereditary diffuse gastric adenocarcinoma (HDGC). Also called: DIFFUSE GASTRIC AND LOBULAR BREAST CANCER SYNDROME. Identifiers: Orphanet 26106, MedGen C1708349, MONDO:0007648, OMIM 137215.

Allele frequency attached by ClinVar (database versions not stated): gnomAD exomes below 0.00001.
gnomAD v4.1: 1 of 1,614,128 alleles (0.000062%); highest among the groups gnomAD compares: Non-Finnish European, 0.000085%; no homozygotes.

Submissions (2):

Labcorp Genetics (formerly Invitae), Labcorp
Classification: Uncertain significance for Hereditary diffuse gastric adenocarcinoma. Last evaluated: 2025-04-18. Review status: criteria provided, single submitter. Criteria: Invitae Variant Classification Sherloc (09022015). Collection method: clinical testing. Allele origin: germline.
Comment: This sequence change replaces tyrosine, which is neutral and polar, with histidine, which is basic and polar, at codon 755 of the CDH1 protein (p.Tyr755His). This variant is not present in population databases (gnomAD no frequency). This variant has not been reported in the literature in individuals affected with CDH1-related conditions. ClinVar contains an entry for this variant (Variation ID: 841471). An algorithm developed to predict the effect of missense changes on protein structure and function (PolyPhen-2) suggests that this variant is likely to be disruptive. In summary, the available evidence is currently insufficient to determine the role of this variant in disease. Therefore, it has been classified as a Variant of Uncertain Significance.

Ambry Genetics
Classification: Uncertain significance for Hereditary cancer-predisposing syndrome. Last evaluated: 2024-07-18. Review status: criteria provided, single submitter. Criteria: Ambry Variant Classification Scheme 2023. Collection method: clinical testing. Allele origin: germline.
Comment: The p.Y755H variant (also known as c.2263T>C), located in coding exon 14 of the CDH1 gene, results from a T to C substitution at nucleotide position 2263. The tyrosine at codon 755 is replaced by histidine, an amino acid with similar properties. This amino acid position is highly conserved in available vertebrate species. In addition, this alteration is predicted to be deleterious by in silico analysis. Based on the available evidence, the clinical significance of this variant remains unclear.